The following is an entry in ClinVar:

ClinVar aggregate classification (germline): Uncertain significance (1 of 4 stars; one submission).

Conditions:
Malignant hyperthermia, susceptibility to, 1 (MHS1). Also called: RYR1-Related Malignant Hyperthermia Susceptibility; Anesthesia related hyperthermia; Malignant hyperpyrexia; Fulminating hyperpyrexia; Pharmacogenic myopathy; Malignant hyperthermia suceptibility 1. Identifiers: Orphanet 423, MedGen C2930980, MONDO:0007783, OMIM 145600.

Allele frequency attached by ClinVar (database versions not stated): gnomAD 0.00001; TOPMed 0.00002.
gnomAD v4.1: 1 of 1,614,092 alleles (0.000062%); highest among the groups gnomAD compares: African/African-American, 0.0013%; no homozygotes.

Submission:

All of Us Research Program, National Institutes of Health
Classification: Uncertain significance for Malignant hyperthermia, susceptibility to, 1. Last evaluated: 2023-03-04. Review status: criteria provided, single submitter. Criteria: ACMG Guidelines, 2015. Collection method: clinical testing. Allele origin: germline. Inheritance: Autosomal dominant inheritance. Observed: 1 variant allele, 1 heterozygote.
Comment: This study involves interpretation of variants in research participants for the purpose of population health screening. Participant phenotype was not available at the time of variant classification. Additional details can be found in publication PMID: 35346344, PMCID: PMC8962531

NM_000540.3(RYR1):c.3339G>T (p.Glu1113Asp)

Gene: RYR1 (ryanodine receptor 1; plus strand). Cytogenetic location: 19q13.2.
Variant type: single nucleotide variant.
Coding change: c.3339G>T on transcript NM_000540.3 (MANE Select); coding-DNA position 3339, G replaced by T.
Protein change: p.Glu1113Asp; replaces glutamic acid 1113 with aspartic acid.
Molecular consequence: missense variant.
Genome position (GRCh38, 1-based): chr19:38,467,770, G>T. VCF-style: chr19-38467770-G-T. GRCh37 (hg19) VCF-style: chr19-38958410-G-T.
Other names: c.3339G>T, p.Glu1113Asp (NM_001042723.2); short protein forms E1113D.
Identifiers: ClinVar variation 3069742 (VCV003069742.1), dbSNP rs979712762, ClinGen allele CA308077082.